The following is an entry in ClinVar:

ClinVar aggregate classification (germline): Pathogenic. Review status: criteria provided, multiple submitters, no conflicts (2 of 4 stars). 3 submissions from 3 submitters: Pathogenic (3). Last evaluated 2024-07-08.

Conditions:
Developmental and epileptic encephalopathy, 11 (DEE11). Also called: Early infantile epileptic encephalopathy 11. Identifiers: Orphanet 1934, MedGen C3150987, MONDO:0013388, OMIM 613721.
Seizures, benign familial infantile, 3 (BFIS3). Also called: Familial neonatal seizures; CONVULSIONS, BENIGN FAMILIAL INFANTILE, 3. Identifiers: Orphanet 140927, Orphanet 306, MedGen C1843140, MONDO:0011904, OMIM 607745.

Submissions (3):

Labcorp Genetics (formerly Invitae), Labcorp
Classification: Pathogenic for Seizures, benign familial infantile, 3; Developmental and epileptic encephalopathy, 11. Last evaluated: 2024-07-08. Review status: criteria provided, single submitter. Criteria: Invitae Variant Classification Sherloc (09022015). Collection method: clinical testing. Allele origin: germline.
Comment: This sequence change replaces valine, which is neutral and non-polar, with methionine, which is neutral and non-polar, at codon 424 of the SCN2A protein (p.Val424Met). This variant is not present in population databases (gnomAD no frequency). This missense change has been observed in individual(s) with early-onset epileptic encephalopathy with Rett-like features (PMID: 28709814). In at least one individual the variant was observed to be de novo. ClinVar contains an entry for this variant (Variation ID: 661206). Advanced modeling of protein sequence and biophysical properties (such as structural, functional, and spatial information, amino acid conservation, physicochemical variation, residue mobility, and thermodynamic stability) performed at Invitae indicates that this missense variant is expected to disrupt SCN2A protein function with a positive predictive value of 95%. For these reasons, this variant has been classified as Pathogenic.

GeneDx
Classification: Pathogenic. Last evaluated: 2023-05-26. Review status: criteria provided, single submitter. Criteria: GeneDx Variant Classification Process June 2021. Collection method: clinical testing. Allele origin: germline. Affected: yes.
Comment: Missense variants in this gene are often considered pathogenic (HGMD); In silico analysis supports that this missense variant has a deleterious effect on protein structure/function; This substitution is predicted to be within the C-terminal cytoplasmic domain; Not observed at significant frequency in large population cohorts (gnomAD); This variant is associated with the following publications: (PMID: 28709814, Liang2018[noPMID])

3billion
Classification: Pathogenic for Developmental and epileptic encephalopathy, 11. Last evaluated: 2023-02-23. Review status: criteria provided, single submitter. Criteria: ACMG Guidelines, 2015. Collection method: clinical testing. Allele origin: unknown. Affected: yes.
Comment: The variant is not observed in the gnomAD v2.1.1 dataset. In silico tool predictions suggest damaging effect of the variant on gene or gene product (REVEL: 0.80; 3Cnet: 1.00). Same nucleotide change resulting in same amino acid change has been previously reported to be associated with SCN2A related disorder (ClinVar ID: VCV000661206 / PMID: 28709814). Therefore, this variant is classified as Pathogenic according to the recommendation of ACMG/AMP guideline.

Literature cited by the submitters: PubMed 28709814 (cited by Labcorp Genetics (formerly Invitae), Labcorp and 3billion).

NM_001040142.2(SCN2A):c.1270G>A (p.Val424Met)

Gene: SCN2A (sodium voltage-gated channel alpha subunit 2; plus strand). Cytogenetic location: 2q24.3.
Variant type: single nucleotide variant.
Coding change: c.1270G>A on transcript NM_001040142.2 (MANE Select); coding-DNA position 1270, G replaced by A.
Protein change: p.Val424Met; replaces valine 424 with methionine.
Molecular consequence: missense variant.
Genome position (GRCh38, 1-based): chr2:165,313,995, G>A. VCF-style: chr2-165313995-G-A. GRCh37 (hg19) VCF-style: chr2-166170505-G-A.
Other names: c.1270G>A, p.Val424Met (NM_001040143.2, NM_001371246.1, NM_001371247.1 and 1 more transcripts); short protein forms V424M.
Identifiers: ClinVar variation 661206 (VCV000661206.10), dbSNP rs1574567728, ClinGen allele CA349022253.
Genomic context (GRCh38, chr2:165,313,995, plus strand): 5'-TTTTTTGTGCTGGTCATTTTCTTGGGCTCATTCTATCTAATAAATTTGATCTTGGCTGTG[G>A]TGGCCATGGCCTATGAGGAACAGAATCAGGCCACATTGGAAGAGGCTGAACAGAAGGAAG-3'
Protein context (NP_001035232.1, residues 414-434): FYLINLILAV[Val424Met]AMAYEEQNQA